The following is an entry in ClinVar:

NM_001036.6(RYR3):c.4521C>T (p.Phe1507=)

Gene: RYR3 (ryanodine receptor 3; plus strand). Cytogenetic location: 15q14.
Variant type: single nucleotide variant.
Coding change: c.4521C>T on transcript NM_001036.6 (MANE Select); coding-DNA position 4521, C replaced by T.
Protein change: p.Phe1507=; no amino-acid change (phenylalanine 1507 retained).
Molecular consequence: synonymous variant.
Genome position (GRCh38, 1-based): chr15:33,660,322, C>T. VCF-style: chr15-33660322-C-T. GRCh37 (hg19) VCF-style: chr15-33952523-C-T.
Other names: c.4521C>T, p.Phe1507= (NM_001243996.4).
Identifiers: ClinVar variation 707053 (VCV000707053.28), dbSNP rs201164828, ClinGen allele CA7459030.
Genomic context (GRCh38, chr15:33,660,322, plus strand): 5'-ACCTCGGCTGGACGTCCAAACCATCCAGCCCGTGCTCTGGAGCCGCATGCCCAACAGCTT[C>T]CTGAAGGTGGAGACCGAGCGTGTGAGCGAGCGCCACGGCTGGGTGGTGCAGTGCCTGGAG-3'
Protein context (NP_001027.3, residues 1497-1517): PVLWSRMPNS[Phe1507=]LKVETERVSE

ClinVar aggregate classification (germline): Benign/Likely benign. Review status: criteria provided, multiple submitters, no conflicts (2 of 4 stars). 3 submissions from 3 submitters: Benign (1); Likely benign (1). 1 of the submissions does not count toward it. Last evaluated 2024-08-01.

Conditions:
RYR3-related disorder. Also called: RYR3-related condition.
Epileptic encephalopathy. Identifiers: MedGen C0543888, HP:0200134.

Allele frequency attached by ClinVar (database versions not stated): gnomAD 0.00006; gnomAD exomes 0.00012 and 0.00031; TOPMed 0.00012; 1000 Genomes Project 30x 0.00016; 1000 Genomes Project 0.00020; ExAC 0.00066.
gnomAD v4.1: 79 of 1,589,136 alleles (0.005%); highest among the groups gnomAD compares: Admixed American, 0.13%; no homozygotes.

Submissions (3):

CeGaT Center for Human Genetics Tuebingen
Classification: Likely benign. Last evaluated: 2024-08-01. Review status: criteria provided, single submitter. Criteria: CeGaT Center For Human Genetics Tuebingen Variant Classification Criteria Version 2. Collection method: clinical testing. Allele origin: germline. Affected: yes. Observed: 1 variant allele.
Comment: RYR3: BP4

Labcorp Genetics (formerly Invitae), Labcorp
Classification: Benign for Epileptic encephalopathy. Last evaluated: 2023-11-27. Review status: criteria provided, single submitter. Criteria: Invitae Variant Classification Sherloc (09022015). Collection method: clinical testing. Allele origin: germline.

PreventionGenetics, part of Exact Sciences
Classification: Likely benign for RYR3-related condition. Last evaluated: 2019-10-28. Review status: no assertion criteria provided. Collection method: clinical testing. Allele origin: germline. Not counted in ClinVar's aggregate classification.
Comment: This variant is classified as likely benign based on ACMG/AMP sequence variant interpretation guidelines (Richards et al. 2015 PMID: 25741868, with internal and published modifications).